The following is an entry in ClinVar:

ClinVar aggregate classification (germline): Likely benign. Review status: criteria provided, single submitter (1 of 4 stars). 2 submissions from 2 submitters: Likely benign (1). 1 of the submissions does not count toward it. Last evaluated 2026-01-12.

Conditions:
MYOM1-related disorder.
Hypertrophic cardiomyopathy. Also called: HYPERTROPHIC MYOCARDIOPATHY. Identifiers: Orphanet 217569, MedGen C0007194, MeSH D002312, MONDO:0005045, HP:0001639.

Allele frequency attached by ClinVar (database versions not stated): gnomAD exomes 0.00018 and 0.00004; gnomAD 0.00005; TOPMed 0.00011; ExAC 0.00012.
gnomAD v4.1: 59 of 1,613,604 alleles (0.0037%); highest among the groups gnomAD compares: Admixed American, 0.093%; no homozygotes.

Submissions (2):

Labcorp Genetics (formerly Invitae), Labcorp
Classification: Likely benign for Hypertrophic cardiomyopathy. Last evaluated: 2026-01-12. Review status: criteria provided, single submitter. Criteria: Invitae Variant Classification Sherloc (09022015). Collection method: clinical testing. Allele origin: germline.

PreventionGenetics, part of Exact Sciences
Classification: Likely benign for MYOM1-related condition. Last evaluated: 2019-02-28. Review status: no assertion criteria provided. Collection method: clinical testing. Allele origin: germline. Not counted in ClinVar's aggregate classification.
Comment: This variant is classified as likely benign based on ACMG/AMP sequence variant interpretation guidelines (Richards et al. 2015 PMID: 25741868, with internal and published modifications).

NM_003803.4(MYOM1):c.3865-7A>C

Gene: MYOM1 (myomesin 1; minus strand). Cytogenetic location: 18p11.31.
Variant type: single nucleotide variant.
Coding change: c.3865-7A>C on transcript NM_003803.4 (MANE Select); 7 bases into the intron before coding-DNA position 3865, A replaced by C.
Molecular consequence: intron variant.
Genome position (GRCh38, 1-based): chr18:3,090,809, T>G on the plus strand (A>C on the coding strand, the complement: MYOM1 is on the minus strand). VCF-style: chr18-3090809-T-G. GRCh37 (hg19) VCF-style: chr18-3090807-T-G.
Other names: c.3577-7A>C (NM_019856.2); c.3865-7A>C (NM_003803.3).
Identifiers: ClinVar variation 1108181 (VCV001108181.11), dbSNP rs753615433, ClinGen allele CA8874131.